The following is an entry in ClinVar:

NM_001040142.2(SCN2A):c.5670A>C (p.Lys1890Asn)

Gene: SCN2A (sodium voltage-gated channel alpha subunit 2; plus strand). Cytogenetic location: 2q24.3.
Variant type: single nucleotide variant.
Coding change: c.5670A>C on transcript NM_001040142.2 (MANE Select); coding-DNA position 5670, A replaced by C.
Protein change: p.Lys1890Asn; replaces lysine 1890 with asparagine.
Molecular consequence: missense variant.
Genome position (GRCh38, 1-based): chr2:165,389,476, A>C. VCF-style: chr2-165389476-A-C. GRCh37 (hg19) VCF-style: chr2-166245986-A-C.
Other names: c.5670A>C, p.Lys1890Asn (NM_001040143.2, NM_001371246.1, NM_001371247.1 and 1 more transcripts); short protein forms K1890N.
Identifiers: ClinVar variation 853123 (VCV000853123.10), dbSNP rs1702039582, ClinGen allele CA349039744.

ClinVar aggregate classification (germline): Likely pathogenic (1 of 4 stars; one submission).

Conditions:
Seizures, benign familial infantile, 3 (BFIS3). Also called: CONVULSIONS, BENIGN FAMILIAL INFANTILE, 3; Familial neonatal seizures. Identifiers: Orphanet 140927, Orphanet 306, MedGen C1843140, MONDO:0011904, OMIM 607745.
Developmental and epileptic encephalopathy, 11 (DEE11). Also called: Early infantile epileptic encephalopathy 11. Identifiers: Orphanet 1934, MedGen C3150987, MONDO:0013388, OMIM 613721.

Submission:

Labcorp Genetics (formerly Invitae), Labcorp
Classification: Likely pathogenic for Seizures, benign familial infantile, 3; Developmental and epileptic encephalopathy, 11. Last evaluated: 2020-12-18. Review status: criteria provided, single submitter. Criteria: Invitae Variant Classification Sherloc (09022015). Collection method: clinical testing. Allele origin: germline.
Comment: Algorithms developed to predict the effect of missense changes on protein structure and function (SIFT, PolyPhen-2, Align-GVGD) all suggest that this variant is likely to be disruptive, but these predictions have not been confirmed by published functional studies and their clinical significance is uncertain. This variant has been observed in individual(s) with clinical features of SCN2A-related conditions (Invitae). In at least one individual the variant was observed to be de novo. This variant is not present in population databases (ExAC no frequency). This sequence change replaces lysine with asparagine at codon 1890 of the SCN2A protein (p.Lys1890Asn). The lysine residue is highly conserved and there is a moderate physicochemical difference between lysine and asparagine. In summary, the currently available evidence indicates that the variant is pathogenic, but additional data are needed to prove that conclusively. Therefore, this variant has been classified as Likely Pathogenic.